The following is an entry in ClinVar:

ClinVar aggregate classification (germline): Uncertain significance (1 of 4 stars; one submission).

Allele frequency attached by ClinVar (database versions not stated): gnomAD exomes below 0.00001; TOPMed below 0.00001.
gnomAD v4.1: 5 of 1,614,172 alleles (0.00031%); highest among the groups gnomAD compares: Non-Finnish European, 0.00034%; no homozygotes.

Submission:

Labcorp Genetics (formerly Invitae), Labcorp
Classification: Uncertain significance. Last evaluated: 2021-08-14. Review status: criteria provided, single submitter. Criteria: Invitae Variant Classification Sherloc (09022015). Collection method: clinical testing. Allele origin: germline.
Comment: This sequence change replaces arginine with glutamine at codon 2116 of the CAD protein (p.Arg2116Gln). The arginine residue is weakly conserved and there is a small physicochemical difference between arginine and glutamine. This variant is not present in population databases (ExAC no frequency). This variant has not been reported in the literature in individuals affected with CAD-related conditions. Algorithms developed to predict the effect of missense changes on protein structure and function (SIFT, PolyPhen-2, Align-GVGD) all suggest that this variant is likely to be tolerated. Algorithms developed to predict the effect of sequence changes on RNA splicing suggest that this variant may create or strengthen a splice site. In summary, the available evidence is currently insufficient to determine the role of this variant in disease. Therefore, it has been classified as a Variant of Uncertain Significance.

NM_004341.5(CAD):c.6347G>A (p.Arg2116Gln)

Genes: CAD (carbamoyl-phosphate synthetase 2, aspartate transcarbamylase, and dihydroorotase; plus strand), LOC126806172 (CDK7 strongly-dependent group 2 enhancer GRCh37_chr2:27465505-27466704; plus strand). Cytogenetic location: 2p23.3.
Variant type: single nucleotide variant.
Coding change: c.6347G>A on transcript NM_004341.5 (MANE Select); coding-DNA position 6347, G replaced by A.
Protein change: p.Arg2116Gln; replaces arginine 2116 with glutamine.
Molecular consequence: missense variant.
Genome position (GRCh38, 1-based): chr2:27,242,744, G>A. VCF-style: chr2-27242744-G-A. GRCh37 (hg19) VCF-style: chr2-27465612-G-A.
Other names: c.6158G>A, p.Arg2053Gln (NM_001306079.2); short protein forms R2116Q, R2053Q.
Identifiers: ClinVar variation 1490440 (VCV001490440.5), dbSNP rs1676381483, ClinGen allele CA346224843.